The following is an entry in ClinVar:

ClinVar aggregate classification (germline): Uncertain significance (0 of 4 stars; one submission).

Allele frequency attached by ClinVar (database versions not stated): gnomAD 0.00001 and 0.00004; TOPMed 0.00001; gnomAD exomes 0.00005 and 0.00013; 1000 Genomes Project 30x 0.00031; 1000 Genomes Project 0.00040; ExAC 0.00045.

Submission:

Department of Pathology and Laboratory Medicine, Sinai Health System
Classification: Uncertain significance. Review status: no assertion criteria provided. Collection method: clinical testing. Allele origin: unknown. Affected: yes. Study: The Canadian Open Genetics Repository (COGR).
Comment: The GREB1L p.Phe568Leu variant was not identified in the literature nor was it identified in ClinVar. The variant was identified in dbSNP (ID: rs557226726) and in control databases in 21 of 180066 chromosomes at a frequency of 0.0001166 (Genome Aggregation Database March 6, 2019, v2.1.1). The variant was observed in the following populations: South Asian in 20 of 20506 chromosomes (freq: 0.000975) and African in 1 of 16552 chromosomes (freq: 0.00006), but was not observed in the Latino, Ashkenazi Jewish, East Asian, European (Finnish), European (non-Finnish), or Other populations. The p.Phe568 residue is conserved in mammals and computational analyses (PolyPhen-2, SIFT, AlignGVGD, BLOSUM, MutationTaster) provide inconsistent predictions regarding the impact to the protein; this information is not very predictive of pathogenicity. The variant occurs outside of the splicing consensus sequence and in silico or computational prediction software programs (SpliceSiteFinder, MaxEntScan, NNSPLICE, GeneSplicer) do not predict a difference in splicing. In summary, based on the above information the clinical significance of this variant cannot be determined with certainty at this time. This variant is classified as a variant of uncertain significance.

NM_001142966.3(GREB1L):c.1702T>C (p.Phe568Leu)

Genes: GREB1L (GREB1 like retinoic acid receptor coactivator; plus strand), GREB1L-AS1 (GREB1L antisense RNA 1; minus strand). Cytogenetic location: 18q11.1.
Variant type: single nucleotide variant.
Coding change: c.1702T>C on transcript NM_001142966.3 (MANE Select); coding-DNA position 1702, T replaced by C.
Protein change: p.Phe568Leu; replaces phenylalanine 568 with leucine.
Molecular consequence: missense variant.
Genome position (GRCh38, 1-based): chr18:21,449,818, T>C. VCF-style: chr18-21449818-T-C. GRCh37 (hg19) VCF-style: chr18-19029779-T-C.
Other names: short protein forms F568L.
Identifiers: ClinVar variation 1050001 (VCV001050001.1), dbSNP rs557226726, ClinGen allele CA8906419.
Genomic context (GRCh38, chr18:21,449,818, plus strand): 5'-TATCAAAGGCTGCCAGATTATGTGGTGGTAATTTGTGCATCGAAAATCAGAGGAAATGAA[T>C]TTTGTGTGGTAGTGTTAGGTGAGTAATTTTTTTGTTTTTTGTTTGTTTAATCAATTCATT-3'
Protein context (NP_001136438.1, residues 558-578): ICASKIRGNE[Phe568Leu]CVVVLGQHQS